The following is an entry in ClinVar:

NM_032520.5(GNPTG):c.502G>A (p.Val168Ile)

Gene: GNPTG (N-acetylglucosamine-1-phosphate transferase subunit gamma; plus strand). Cytogenetic location: 16p13.3.
Variant type: single nucleotide variant.
Coding change: c.502G>A on transcript NM_032520.5 (MANE Select); coding-DNA position 502, G replaced by A.
Protein change: p.Val168Ile; replaces valine 168 with isoleucine.
Molecular consequence: missense variant.
Genome position (GRCh38, 1-based): chr16:1,362,296, G>A. VCF-style: chr16-1362296-G-A. GRCh37 (hg19) VCF-style: chr16-1412297-G-A.
Other names: short protein forms V168I.
Identifiers: ClinVar variation 317885 (VCV000317885.21), dbSNP rs190614894, ClinGen allele CA7807742.

ClinVar aggregate classification (germline): Benign/Likely benign. Review status: criteria provided, multiple submitters, no conflicts (2 of 4 stars). 5 submissions from 5 submitters: Benign (1); Likely benign (2). 2 of the submissions do not count toward it. Last evaluated 2026-01-28.

Conditions:
GNPTG-mucolipidosis. Also called: ML III GAMMA; ML IIIC; Mucolipidosis type III gamma; MUCOLIPIDOSIS III, COMPLEMENTATION GROUP C; MUCOLIPIDOSIS III, IRANIAN VARIANT FORM; MUCOLIPIDOSIS III, VARIANT FORM. Identifiers: Orphanet 423470, Orphanet 577, MedGen C1854896, MONDO:0009652, OMIM 252605.
GNPTG-related disorder. Also called: GNPTG-related condition.

Allele frequency attached by ClinVar (database versions not stated): gnomAD 0.00014 and 0.00023; TOPMed 0.00030; 1000 Genomes Project 30x 0.00109; 1000 Genomes Project 0.00120.
gnomAD v4.1: 358 of 1,613,236 alleles (0.022%); highest among the groups gnomAD compares: East Asian, 0.48%; 4 homozygotes.

Submissions (5):

Labcorp Genetics (formerly Invitae), Labcorp
Classification: Likely benign. Last evaluated: 2026-01-28. Review status: criteria provided, single submitter. Criteria: Invitae Variant Classification Sherloc (09022015). Collection method: clinical testing. Allele origin: germline.

Blueprint Genetics
Classification: Benign. Last evaluated: 2024-11-14. Review status: criteria provided, single submitter. Criteria: ACMG Guidelines, 2015. Collection method: clinical testing. Allele origin: germline.

Illumina Laboratory Services, Illumina
Classification: Likely benign for GNPTG-mucolipidosis. Last evaluated: 2018-01-12. Review status: criteria provided, single submitter. Criteria: ICSL Variant Classification Criteria 13 December 2019. Collection method: clinical testing. Allele origin: germline.
Comment: This variant was observed in the ICSL laboratory as part of a predisposition screen in an ostensibly healthy population. It had not been previously curated by ICSL or reported in the Human Gene Mutation Database (HGMD: prior to June 1st, 2018), and was therefore a candidate for classification through an automated scoring system. Utilizing variant allele frequency, disease prevalence and penetrance estimates, and inheritance mode, an automated score was calculated to assess if this variant is too frequent to cause the disease. Based on the score and internal cut-off values, a variant classified as likely benign is not then subjected to further curation. The score for this variant resulted in a classification of likely benign for this disease.

PreventionGenetics, part of Exact Sciences
Classification: Likely benign for GNPTG-related condition. Last evaluated: 2020-02-24. Review status: no assertion criteria provided. Collection method: clinical testing. Allele origin: germline. Not counted in ClinVar's aggregate classification.
Comment: This variant is classified as likely benign based on ACMG/AMP sequence variant interpretation guidelines (Richards et al. 2015 PMID: 25741868, with internal and published modifications).

Natera, Inc.
Classification: Benign for Mucolipidosis III gamma. Last evaluated: 2020-02-11. Review status: no assertion criteria provided. Collection method: clinical testing. Allele origin: germline. Not counted in ClinVar's aggregate classification.